The following is an entry in ClinVar:

ClinVar aggregate classification (germline): Pathogenic. Review status: criteria provided, single submitter (1 of 4 stars). 2 submissions from 2 submitters: Pathogenic (1). 1 of the submissions does not count toward it. Last evaluated 2019-11-26.

Conditions:
Steinert myotonic dystrophy syndrome (DM1). Also called: STEINERT DISEASE; Myotonic dystrophy type 1; Dystrophia myotonica type 1; Steinert myotonic dystrophy; Steinert's disease. Identifiers: Orphanet 273, MedGen C3250443, MONDO:0008056, OMIM 160900.

Submissions (2):

Neuromuscular Research, Maastricht University Medical Centre
Classification: Pathogenic for Steinert myotonic dystrophy syndrome. Last evaluated: 2019-11-26. Review status: criteria provided, single submitter. Criteria: Best practice guidelines on molecular diagnosis DM1 and DM2, Kamsteeg et al. 2012. Collection method: clinical testing. Allele origin: inherited, paternal. Affected: yes.

Institute of Molecular, Cell and Systems Biology, University of Glasgow
Classification: Pathogenic for Steinert myotonic dystrophy syndrome. Review status: no assertion criteria provided. Criteria: research. Collection method: research. Allele origin: germline. Inheritance: Autosomal dominant inheritance. Affected: no. Observed: 1 heterozygote. Not counted in ClinVar's aggregate classification.
Comment: DMPK CTG repeat expansions greater than approximately 45-50 repeats are assumed to be pathogenic

This record is based on data published in PubMed 25052313, which reports only ClinVar accessions SCV000120188 and SCV000120189. The complete data set includes SCV000207445 - SCV000207579.

Literature cited by the submitters: PubMed 32203199 (cited by Neuromuscular Research, Maastricht University Medical Centre); PubMed 1346923 (cited by Institute of Molecular, Cell and Systems Biology, University of Glasgow); PubMed 1546326 (cited by Institute of Molecular, Cell and Systems Biology, University of Glasgow); PubMed 25052313 (cited by Institute of Molecular, Cell and Systems Biology, University of Glasgow).

NM_004409.5(DMPK):c.*224CTG[53]

Genes: DM1-AS (DM1 locus antisense RNA; plus strand), DMPK (DM1 protein kinase; minus strand), LOC107075317 (origin of replication in DMPK trinucleotide repeat region; plus strand), LOC109461477 (dystrophia myotonica protein kinase repeat instability region; plus strand). Cytogenetic location: 19q13.32.
Variant type: Microsatellite.
Coding change: c.*224CTG[53] on transcript NM_004409.5 (MANE Select); 53 copies in a row of the 3-base unit CTG starting at c.*224.
Molecular consequence: 3 prime UTR variant.
Genome position: GRCh38, VCF-style position (the base before the change): chr19:45,770,204. GRCh37 (hg19), VCF-style position (the base before the change): chr19:46,273,462.
Other names: DM1 CTG repeat expansion; c.*224CTG[53] (NM_001081560.3, NM_001288764.2, NM_001424165.1 and 1 more transcripts); c.*217CTG[53] (NM_001081562.3, NM_001288765.2, NM_001424162.1 and 2 more transcripts); c.*222_*224TGC[53] (NM_001081563.3); c.*369CTG[53] (NM_001288766.2, NM_001424164.1, NM_001424168.1).
Identifiers: ClinVar variation 187998 (VCV000187998.3), ClinGen allele CA915951824.